The following is an entry in ClinVar:

NM_001130987.2(DYSF):c.3328C>T (p.Arg1110Cys)

Gene: DYSF (dysferlin; plus strand). Cytogenetic location: 2p13.2.
Variant type: single nucleotide variant.
Coding change: c.3328C>T on transcript NM_001130987.2 (MANE Select); coding-DNA position 3328, C replaced by T.
Protein change: p.Arg1110Cys; replaces arginine 1110 with cysteine.
Molecular consequence: missense variant.
Genome position (GRCh38, 1-based): chr2:71,574,297, C>T. VCF-style: chr2-71574297-C-T. GRCh37 (hg19) VCF-style: chr2-71801427-C-T.
Other names: c.3277C>T, p.Arg1093Cys (NM_001130455.2, NM_001130983.2); c.3232C>T, p.Arg1078Cys (NM_001130976.2, NM_001130977.2); c.3274C>T, p.Arg1092Cys (NM_001130978.2, NM_003494.4); c.3367C>T, p.Arg1123Cys (NM_001130979.2); c.3325C>T, p.Arg1109Cys (NM_001130980.2, NM_001130981.2); c.3370C>T, p.Arg1124Cys (NM_001130982.2); c.3235C>T, p.Arg1079Cys (NM_001130984.2, NM_001130986.2); c.3328C>T, p.Arg1110Cys (NM_001130985.2); short protein forms R1110C, R1092C, R1093C, R1124C, R1078C, R1123C, R1079C, R1109C.
Identifiers: ClinVar variation 597130 (VCV000597130.8), dbSNP rs758284713, ClinGen allele CA1706524.

ClinVar aggregate classification (germline): Uncertain significance. Review status: criteria provided, multiple submitters, no conflicts (2 of 4 stars). 3 submissions from 3 submitters: Uncertain significance (2). 1 of the submissions does not count toward it. Last evaluated 2022-08-05.

Conditions:
Neuromuscular disease caused by qualitative or quantitative defects of dysferlin. Also called: Qualitative or quantitative defects of dysferlin; Dysferlinopathy. Identifiers: Orphanet 207073, MedGen C2931687, MONDO:0016145.
Autosomal recessive limb-girdle muscular dystrophy type 2B (LGMDR2). Also called: MUSCULAR DYSTROPHY, LIMB-GIRDLE, AUTOSOMAL RECESSIVE 2; Limb-Girdle Muscular Dystrophy Type 2B (LGMD2B); Limb-girdle muscular dystrophy, type 2B; MUSCULAR DYSTROPHY, LIMB-GIRDLE, TYPE 3. Identifiers: Orphanet 268, MedGen C1850889, MONDO:0009676, OMIM 253601.

Allele frequency attached by ClinVar (database versions not stated): gnomAD 0.00002; gnomAD exomes 0.00003 and 0.00009; TOPMed 0.00007; ExAC 0.00009.
gnomAD v4.1: 57 of 1,613,958 alleles (0.0035%); highest among the groups gnomAD compares: Admixed American, 0.033%; 1 homozygote.

Submissions (3):

Labcorp Genetics (formerly Invitae), Labcorp
Classification: Uncertain significance for Neuromuscular disease caused by qualitative or quantitative defects of dysferlin. Last evaluated: 2022-08-05. Review status: criteria provided, single submitter. Criteria: Invitae Variant Classification Sherloc (09022015). Collection method: clinical testing. Allele origin: germline.
Comment: This sequence change replaces arginine, which is basic and polar, with cysteine, which is neutral and slightly polar, at codon 1092 of the DYSF protein (p.Arg1092Cys). This variant is present in population databases (rs758284713, gnomAD 0.04%), including at least one homozygous and/or hemizygous individual. This variant has not been reported in the literature in individuals affected with DYSF-related conditions. ClinVar contains an entry for this variant (Variation ID: 597130). Advanced modeling of protein sequence and biophysical properties (such as structural, functional, and spatial information, amino acid conservation, physicochemical variation, residue mobility, and thermodynamic stability) performed at Invitae indicates that this missense variant is expected to disrupt DYSF protein function. In summary, the available evidence is currently insufficient to determine the role of this variant in disease. Therefore, it has been classified as a Variant of Uncertain Significance.

Eurofins Ntd Llc (ga)
Classification: Uncertain significance. Last evaluated: 2018-05-14. Review status: criteria provided, single submitter. Criteria: EGL ClinVar v180209 classification definitions. Collection method: clinical testing. Allele origin: germline. Observed: 1 variant allele, 1 heterozygote.

Natera, Inc.
Classification: Uncertain significance for Limb-girdle muscular dystrophy type 2B. Last evaluated: 2020-01-24. Review status: no assertion criteria provided. Collection method: clinical testing. Allele origin: germline. Not counted in ClinVar's aggregate classification.